The following is an entry in ClinVar:

NM_001003722.2(GLE1):c.1411C>T (p.Gln471Ter)

Genes: GLE1 (GLE1 RNA export mediator; plus strand), LOC101929270 (uncharacterized LOC101929270; minus strand). Cytogenetic location: 9q34.11.
Variant type: single nucleotide variant.
Coding change: c.1411C>T on transcript NM_001003722.2 (MANE Select); coding-DNA position 1411, C replaced by T.
Protein change: p.Gln471Ter; replaces glutamine 471 with a stop codon.
Molecular consequence: nonsense.
Genome position (GRCh38, 1-based): chr9:128,533,611, C>T. VCF-style: chr9-128533611-C-T. GRCh37 (hg19) VCF-style: chr9-131295890-C-T.
Other names: c.1411C>T, p.Gln471Ter (NM_001499.2); short protein forms Q471*.
Identifiers: ClinVar variation 1074199 (VCV001074199.7), dbSNP rs973138093, ClinGen allele CA200389962.

ClinVar aggregate classification (germline): Pathogenic (1 of 4 stars; one submission).

Allele frequency attached by ClinVar (database versions not stated): TOPMed below 0.00001.

Submission:

Labcorp Genetics (formerly Invitae), Labcorp
Classification: Pathogenic. Last evaluated: 2022-11-08. Review status: criteria provided, single submitter. Criteria: Invitae Variant Classification Sherloc (09022015). Collection method: clinical testing. Allele origin: germline.
Comment: This sequence change creates a premature translational stop signal (p.Gln471*) in the GLE1 gene. It is expected to result in an absent or disrupted protein product. Loss-of-function variants in GLE1 are known to be pathogenic (PMID: 18204449, 24243016, 27684565). This variant is not present in population databases (gnomAD no frequency). For these reasons, this variant has been classified as Pathogenic. Algorithms developed to predict the effect of sequence changes on RNA splicing suggest that this variant may disrupt the consensus splice site. ClinVar contains an entry for this variant (Variation ID: 1074199). This variant has not been reported in the literature in individuals affected with GLE1-related conditions.

Literature cited by the submitters: PubMed 18204449; PubMed 24243016; PubMed 27684565.